The following is an entry in ClinVar:

ClinVar aggregate classification (germline): Pathogenic (1 of 4 stars; one submission).

Submission:

CeGaT Center for Human Genetics Tuebingen
Classification: Pathogenic. Last evaluated: 2026-08-01. Review status: criteria provided, single submitter. Criteria: CeGaT Center For Human Genetics Tuebingen Variant Classification Criteria Version 2. Collection method: clinical testing. Allele origin: germline. Affected: yes. Observed: 1 variant allele.
Comment: SBF2: PVS1, PM2, PM3:Supporting

NM_030962.4(SBF2):c.5250_5251dup (p.Tyr1751fs)

Genes: SBF2 (SET binding factor 2; minus strand), SBF2-AS1 (SBF2 antisense RNA 1; plus strand), LOC105369149 (uncharacterized LOC105369149; plus strand). Cytogenetic location: 11p15.4.
Variant type: Duplication.
Coding change: c.5250_5251dup on transcript NM_030962.4 (MANE Select); coding-DNA positions 5250 to 5251, 2 bases duplicated (TT; older notation c.5250_5251dupTT).
Protein change: p.Tyr1751fs; shifts the reading frame from tyrosine 1751.
Molecular consequence: frameshift variant.
Genome position (GRCh38, 1-based): chr11:9,784,419-9,784,420, AA duplicated on the plus strand (TT on the coding strand, the reverse complement: SBF2 is on the minus strand); duplicating any 2 consecutive bases within chr11:9,784,419-9,784,421 gives the same sequence; the c. name uses the placement nearest the transcript's 3' end. VCF-style (leftmost placement, unchanged base first): chr11-9784418-T-TAA. GRCh37 (hg19) VCF-style: chr11-9805965-T-TAA.
Other names: c.5346_5347dup, p.Tyr1783fs (NM_001386339.1); c.5121_5122dup, p.Tyr1708fs (NM_001386342.1); c.5286_5287dup, p.Tyr1763fs (NM_001424318.1, NM_001425070.1); c.5145_5146dup, p.Tyr1716fs (NM_001425069.1); short protein forms Y1708fs, Y1716fs, Y1751fs, Y1763fs, Y1783fs.
Identifiers: ClinVar variation 5040461 (VCV005040461.1).